The following is an entry in ClinVar:

NM_000133.4(F9):c.1030A>T (p.Ile344Phe)

Gene: F9 (coagulation factor IX; plus strand). Cytogenetic location: Xq27.1.
Variant type: single nucleotide variant.
Coding change: c.1030A>T on transcript NM_000133.4 (MANE Select); coding-DNA position 1030, A replaced by T.
Protein change: p.Ile344Phe; replaces isoleucine 344 with phenylalanine.
Molecular consequence: missense variant.
Genome position (GRCh38, 1-based): chrX:139,561,715, A>T. VCF-style: chrX-139561715-A-T. GRCh37 (hg19) VCF-style: chrX-138643874-A-T.
Other names: c.916A>T, p.Ile306Phe (NM_001313913.2); short protein forms I306F, I344F.
Identifiers: ClinVar variation 3907326 (VCV003907326.1).

ClinVar aggregate classification (germline): Uncertain significance (1 of 4 stars; one submission).

Submission:

Women's Health and Genetics/Laboratory Corporation of America, LabCorp
Classification: Uncertain significance. Last evaluated: 2025-06-06. Review status: criteria provided, single submitter. Criteria: LabCorp Variant Classification Summary - May 2015. Collection method: clinical testing. Allele origin: germline.
Comment: Variant summary: F9 c.1030A>T (p.Ile344Phe) results in a non-conservative amino acid change in the encoded protein sequence. Algorithms developed to predict the effect of missense changes on protein structure and function are either unavailable or do not agree on the potential impact of this missense change. The variant was absent in 183378 control chromosomes. c.1030A>T has been observed in at least one family with two individuals affected with Factor IX Deficiency (Hemophilia B) (Epins_2003). These data indicate that the variant may be associated with disease. To our knowledge, no experimental evidence demonstrating an impact on protein function has been reported. The following publication have been ascertained in the context of this evaluation (PMID: 12604421). No submitters have cited clinical-significance assessments for this variant to ClinVar. Based on the evidence outlined above, the variant was classified as VUS-possibly pathogenic.

Literature cited by the submitters: PubMed 12604421.